The following is an entry in ClinVar:

NM_030662.4(MAP2K2):c.556G>C (p.Glu186Gln)

Gene: MAP2K2 (mitogen-activated protein kinase kinase 2; minus strand). Cytogenetic location: 19p13.3.
Variant type: single nucleotide variant.
Coding change: c.556G>C on transcript NM_030662.4 (MANE Select); coding-DNA position 556, G replaced by C.
Protein change: p.Glu186Gln; replaces glutamic acid 186 with glutamine.
Molecular consequence: missense variant.
Genome position (GRCh38, 1-based): chr19:4,101,253, C>G on the plus strand (G>C on the coding strand, the complement: MAP2K2 is on the minus strand). VCF-style: chr19-4101253-C-G. GRCh37 (hg19) VCF-style: chr19-4101251-C-G.
Other names: short protein forms E186Q.
Identifiers: ClinVar variation 945704 (VCV000945704.10), dbSNP rs1469284383, ClinGen allele CA403388960.

ClinVar aggregate classification (germline): Uncertain significance. Review status: criteria provided, multiple submitters, no conflicts (2 of 4 stars). 2 submissions from 2 submitters: Uncertain significance (2). Last evaluated 2024-04-23.

Conditions:
RASopathy. Also called: rasopathies; Noonan spectrum disorder. Identifiers: Orphanet 536391, MedGen C5555857, MONDO:0021060.

Allele frequency attached by ClinVar (database versions not stated): TOPMed below 0.00001; gnomAD 0.00001.

Submissions (2):

GeneDx
Classification: Uncertain significance. Last evaluated: 2024-04-23. Review status: criteria provided, single submitter. Criteria: GeneDx Variant Classification Process June 2021. Collection method: clinical testing. Allele origin: germline. Affected: yes.
Comment: Not observed at significant frequency in large population cohorts (gnomAD); Missense variants in this gene are a common cause of disease and they are underrepresented in the general population; In silico analysis supports that this missense variant has a deleterious effect on protein structure/function; Has not been previously published as pathogenic or benign to our knowledge

Labcorp Genetics (formerly Invitae), Labcorp
Classification: Uncertain significance for RASopathy. Last evaluated: 2019-05-21. Review status: criteria provided, single submitter. Criteria: Invitae Variant Classification Sherloc (09022015). Collection method: clinical testing. Allele origin: germline.
Comment: This variant has not been reported in the literature in individuals with MAP2K2-related conditions. In summary, the available evidence is currently insufficient to determine the role of this variant in disease. Therefore, it has been classified as a Variant of Uncertain Significance. Algorithms developed to predict the effect of missense changes on protein structure and function are either unavailable or do not agree on the potential impact of this missense change (SIFT: "Deleterious"; PolyPhen-2: "Benign"; Align-GVGD: "Class C0"). This variant is not present in population databases (ExAC no frequency). This sequence change replaces glutamic acid with glutamine at codon 186 of the MAP2K2 protein (p.Glu186Gln). The glutamic acid residue is moderately conserved and there is a small physicochemical difference between glutamic acid and glutamine.